The following is an entry in ClinVar:

NM_001374353.1(GLI2):c.2961G>C (p.Arg987Ser)

Gene: GLI2 (GLI family zinc finger 2; plus strand). Cytogenetic location: 2q14.2.
Variant type: single nucleotide variant.
Coding change: c.2961G>C on transcript NM_001374353.1 (MANE Select); coding-DNA position 2961, G replaced by C.
Protein change: p.Arg987Ser; replaces arginine 987 with serine.
Molecular consequence: missense variant.
Genome position (GRCh38, 1-based): chr2:120,988,926, G>C. VCF-style: chr2-120988926-G-C. GRCh37 (hg19) VCF-style: chr2-121746502-G-C.
Other names: c.2586G>C, p.Arg862Ser (NM_001374354.1); c.3012G>C, p.Arg1004Ser (NM_001371271.1, NM_005270.5); short protein forms R1004S, R862S, R987S.
Identifiers: ClinVar variation 3762364 (VCV003762364.2).

ClinVar aggregate classification (germline): Uncertain significance (1 of 4 stars; one submission).

Conditions:
Holoprosencephaly 9 (HPE9). Also called: PITUITARY ANOMALIES WITH HOLOPROSENCEPHALY-LIKE FEATURES; HOLOPROSENCEPHALY WITH MICROPHTHALMIA AND FIRST BRANCHIAL ARCH ANOMALIES. Identifiers: Orphanet 2162, MedGen C1835819, MONDO:0012563, OMIM 610829.
Postaxial polydactyly-anterior pituitary anomalies-facial dysmorphism syndrome. Also called: Culler-Jones syndrome. Identifiers: Orphanet 420584, MedGen C4014479, MONDO:0014369, OMIM 615849.

gnomAD v4.1: 2 of 1,523,698 alleles (0.00013%); highest among the groups gnomAD compares: East Asian, 0.0025%; no homozygotes.

Submission:

Labcorp Genetics (formerly Invitae), Labcorp
Classification: Uncertain significance for Postaxial polydactyly-anterior pituitary anomalies-facial dysmorphism syndrome; Holoprosencephaly 9. Last evaluated: 2024-06-13. Review status: criteria provided, single submitter. Criteria: Invitae Variant Classification Sherloc (09022015). Collection method: clinical testing. Allele origin: germline.
Comment: This sequence change replaces arginine, which is basic and polar, with serine, which is neutral and polar, at codon 1004 of the GLI2 protein (p.Arg1004Ser). This variant is not present in population databases (gnomAD no frequency). This variant has not been reported in the literature in individuals affected with GLI2-related conditions. Advanced modeling of protein sequence and biophysical properties (such as structural, functional, and spatial information, amino acid conservation, physicochemical variation, residue mobility, and thermodynamic stability) performed at Invitae indicates that this missense variant is not expected to disrupt GLI2 protein function with a negative predictive value of 80%. In summary, the available evidence is currently insufficient to determine the role of this variant in disease. Therefore, it has been classified as a Variant of Uncertain Significance.